The following is an entry in ClinVar:

NM_000330.4(RS1):c.598C>T (p.Arg200Cys)

Genes: CDKL5 (cyclin dependent kinase like 5; plus strand), RS1 (retinoschisin 1; minus strand). Cytogenetic location: Xp22.13.
Variant type: single nucleotide variant.
Coding change: c.598C>T on transcript NM_000330.4 (MANE Select); coding-DNA position 598, C replaced by T.
Protein change: p.Arg200Cys; replaces arginine 200 with cysteine.
Molecular consequence: missense variant. On other transcripts: intron variant (2).
Genome position (GRCh38, 1-based): chrX:18,642,081, G>A on the plus strand (C>T on the coding strand, the complement: RS1 is on the minus strand). VCF-style: chrX-18642081-G-A. GRCh37 (hg19) VCF-style: chrX-18660201-G-A.
Other names: NM_000330.4(RS1):c.598C>T; c.2714-3926G>A (NM_003159.3, NM_001037343.2); short protein forms R200C.
Identifiers: ClinVar variation 99000 (VCV000099000.22), dbSNP rs281865357, ClinGen allele CA226806.

ClinVar aggregate classification (germline): Pathogenic. Review status: reviewed by expert panel (3 of 4 stars). 11 submissions from 11 submitters: Pathogenic (1). 10 of the submissions do not count toward it. Last evaluated 2026-09-26.

Conditions:
RS1-related disorder. Also called: RS1-related condition.
Retinal dystrophy. Also called: Inherited retinal dystrophy. Identifiers: Orphanet 71862, MedGen C0854723, MeSH D058499, MONDO:0019118, HP:0000556.
Juvenile retinoschisis (RS1). Also called: X-Linked Juvenile Retinoschisis; X-linked retinoschisis. Identifiers: Orphanet 792, MedGen C3714753, MONDO:0010725, OMIM 312700.

Allele frequency attached by ClinVar (database versions not stated): TOPMed below 0.00001; gnomAD exomes below 0.00001.
gnomAD v4.1: 2 of 1,211,442 alleles (0.00017%); highest among the groups gnomAD compares: Non-Finnish European, 0.00022%; no homozygotes.

Submissions (11):

ClinGen X-linked Inherited Retinal Disease Variant Curation Expert Panel, ClinGen
Classification: Pathogenic for Juvenile retinoschisis. Last evaluated: 2026-09-26. Review status: reviewed by expert panel. Criteria: ClinGen X LinkedIRD ACMG Specifications RS1 V1.0.0. Collection method: curation. Allele origin: germline. Inheritance: X-linked inheritance.
Comment: The NM_000330.4(RS1):c.598C>T (p.Arg200Cys) variant is a missense variant encoding the substitution of Arginine and Cystine at amino acid 200. This variant is absent from hemizygous individuals in gnomAD v4.1.0 (PM2_Supporting). The computational predictor REVEL gives a score of 0.944, which is above the ClinGen X-linked IRD VCEP threshold of >0.932 and predicts a damaging effect on RS1 function (PP3_strong). The computational splicing predictor SpliceAI gives a delta score of 0.00 for all predictive splice changes, which is below the ClinGen X-linked IRD VCEP threshold of >0.2 and does not predict that the variant disrupts RS1 splicing. COS-7 cells exogenously expressing the variant exhibit loss of RS1 secretion into the medium relative to the wild-type control (PMID: 20809529, PS3_Supporting). This variant has been reported in at least ≥9 apparently unrelated probands meeting the PS4 requirement of a male diagnosed with XLRS (PMIDs: 10450864, 10636421, 15937075, 17615541, 17631851, 18541843, 29739629, 35456481, 36377647, PS4_Very strong). The variant has been reported to segregate with retinal dystrophy through >3 meioses in more than two families (PP1_Strong; PMIDs: 17615541, 10636421, 17631851). In summary, this variant is classified as pathogenic for X-linked retinoschisis based on the ClinGen X-linked Inherited Retinal Disease Expert Panel Specifications to the ACMG/AMP Variant Interpretation Guidelines for RS1 Version 1.0.0: PM2_Supporting, PP3_Strong, PS3_Supporting, PS4_Very_Strong, and PP1_Strong.

PreventionGenetics, part of Exact Sciences
Classification: Pathogenic for RS1-related condition. Last evaluated: 2026-09-03. Review status: criteria provided, single submitter. Criteria: ACMG Guidelines, 2015. Collection method: clinical testing. Allele origin: germline. Not counted in ClinVar's aggregate classification.
Comment: The RS1 c.598C>T variant is predicted to result in the amino acid substitution p.Arg200Cys. This variant has been reported many times in individuals with retinoschisis (See for examples: Retinoschisis Consortium. 1998. PubMed ID: 9618178; Kondo et al. 2019. PubMed ID: 30652005; Table S1, Lin et al. 2024. PubMed ID: 38219857). A functional study using protein expression in cell culture found that this p.Arg200Cys substitution causes protein misfolding (Vijayasarathy. 2010. PubMed ID: 20809529). Alternate substitutions of this amino acid residue (p.Arg200Leu, p.Arg200Pro, p.Arg200His, p.Arg200Ser) have also been reported in individuals with retinoschisis (see for example, Strupaitė et al. 2018. PubMed ID: 30450322; Cetin et al. 2022. PubMed ID: 34865595; Retinoschisis Consortium. 1998. PubMed ID: 9618178; Riveiro-Alvarez et al. 2009. PubMed ID: 19324861). This variant is absent in a large population database (gnomAD), indicating this variant is rare. Given all the evidence, we interpret this variant as pathogenic.

Labcorp Genetics (formerly Invitae), Labcorp
Classification: Pathogenic. Last evaluated: 2025-08-17. Review status: criteria provided, single submitter. Criteria: Invitae Variant Classification Sherloc (09022015). Collection method: clinical testing. Allele origin: germline. Not counted in ClinVar's aggregate classification.
Comment: This sequence change replaces arginine, which is basic and polar, with cysteine, which is neutral and slightly polar, at codon 200 of the RS1 protein (p.Arg200Cys). This variant is not present in population databases (gnomAD no frequency). This missense change has been observed in individuals with X-linked retinoschisis (PMID: 9618178, 28272453, 30652005). This variant is also known as c.589C>T, p.Glu72Asp. ClinVar contains an entry for this variant (Variation ID: 99000). Invitae Evidence Modeling of protein sequence and biophysical properties (such as structural, functional, and spatial information, amino acid conservation, physicochemical variation, residue mobility, and thermodynamic stability) indicates that this missense variant is expected to disrupt RS1 protein function with a positive predictive value of 95%. This variant disrupts the p.Arg200 amino acid residue in RS1. Other variant(s) that disrupt this residue have been determined to be pathogenic (PMID: 9618178, 28272453). This suggests that this residue is clinically significant, and that variants that disrupt this residue are likely to be disease-causing. For these reasons, this variant has been classified as Pathogenic.

SingHealth Duke-NUS Institute of Precision Medicine
Classification: Pathogenic for Juvenile retinoschisis. Last evaluated: 2025-02-05. Review status: criteria provided, single submitter. Criteria: PRISM ACMG Classification Criteria. Collection method: clinical testing. Allele origin: germline. Affected: yes. Not counted in ClinVar's aggregate classification.
Comment: Variant is located in a mutational hotspot where >50% of variants are pathogenic (PM1). REVEL score is 0.944 (PP3_str). Other changes at this amino acid residue have been classified as pathogenic (PM5, p.Arg200Pro). Homozygous allele count in gnomAD exomes and genomes are less than 0 (PM2). RS1 mutations are specific to retinoschisis phenotypes (PP4)

Women's Health and Genetics/Laboratory Corporation of America, LabCorp
Classification: Pathogenic for Juvenile retinoschisis. Last evaluated: 2024-10-30. Review status: criteria provided, single submitter. Criteria: LabCorp Variant Classification Summary - May 2015. Collection method: clinical testing. Allele origin: germline. Not counted in ClinVar's aggregate classification.
Comment: Variant summary: RS1 c.598C>T (p.Arg200Cys) results in a non-conservative amino acid change located in the Coagulation factor 5/8, C-terminal domain (IPR000421) of the encoded protein sequence. Five of five in-silico tools predict a damaging effect of the variant on protein function. The variant was absent in 183138 control chromosomes. c.598C>T has been reported in the literature in multiple individuals affected with Juvenile Retinoschisis (example: Georgiou_2022). These data indicate that the variant is very likely to be associated with disease. The following publication has been ascertained in the context of this evaluation (PMID: 34822951). ClinVar contains an entry for this variant (Variation ID: 99000). Based on the evidence outlined above, the variant was classified as pathogenic.

Baylor Genetics
Classification: Pathogenic for Juvenile retinoschisis. Last evaluated: 2023-12-10. Review status: criteria provided, single submitter. Criteria: ACMG Guidelines, 2015. Collection method: clinical testing. Allele origin: unknown. Not counted in ClinVar's aggregate classification.

GeneDx
Classification: Pathogenic. Last evaluated: 2022-07-01. Review status: criteria provided, single submitter. Criteria: GeneDx Variant Classification Process June 2021. Collection method: clinical testing. Allele origin: germline. Affected: yes. Not counted in ClinVar's aggregate classification.
Comment: Not observed at significant frequency in large population cohorts (gnomAD); In silico analysis supports that this missense variant has a deleterious effect on protein structure/function; This variant is associated with the following publications: (PMID: 10450864, 18541843, 17615541, 10636421, 12782284, 21701876, 30652005, 33781268, 20061330, 20809529, 9618178, 11225572, 10533068, 17631851, 17852193, 18369700, 15937075, 15932525, 28272453, 31429209, 34624300)

Blueprint Genetics
Classification: Pathogenic for RS1-related disorders. Last evaluated: 2022-05-16. Review status: criteria provided, single submitter. Criteria: ACMG Guidelines, 2015. Collection method: clinical testing. Allele origin: germline. Affected: yes. Observed: 5 variant alleles. Not counted in ClinVar's aggregate classification.

Institute of Medical Molecular Genetics, University of Zurich
Classification: Likely pathogenic for Juvenile retinoschisis. Last evaluated: 2021-01-30. Review status: criteria provided, single submitter. Criteria: ACMG Guidelines, 2015. Collection method: clinical testing. Allele origin: unknown. Affected: yes. Not counted in ClinVar's aggregate classification.

Institute of Human Genetics, Univ. Regensburg, Univ. Regensburg
Classification: Pathogenic for Retinal dystrophy. Last evaluated: 2021-01-01. Review status: criteria provided, single submitter. Criteria: ACMG Guidelines, 2015. Collection method: clinical testing. Allele origin: germline. Affected: yes. Not counted in ClinVar's aggregate classification.

Retina International
No classification provided. Review status: no classification provided. Collection method: not provided. Allele origin: unknown. Not counted in ClinVar's aggregate classification.

Literature cited by the submitters: PubMed 9618178 (cited by Labcorp Genetics (formerly Invitae), Labcorp and Institute of Human Genetics, Univ. Regensburg, Univ. Regensburg); PubMed 28272453 (cited by Labcorp Genetics (formerly Invitae), Labcorp and Institute of Human Genetics, Univ. Regensburg, Univ. Regensburg); PubMed 30652005 (cited by Labcorp Genetics (formerly Invitae), Labcorp and Institute of Human Genetics, Univ. Regensburg, Univ. Regensburg); PubMed 34822951 (cited by Women's Health and Genetics/Laboratory Corporation of America, LabCorp and Institute of Human Genetics, Univ. Regensburg, Univ. Regensburg); PubMed 20061330 (cited by Institute of Human Genetics, Univ. Regensburg, Univ. Regensburg); PubMed 20809529 (cited by Institute of Human Genetics, Univ. Regensburg, Univ. Regensburg); PubMed 31429209 (cited by Institute of Human Genetics, Univ. Regensburg, Univ. Regensburg); PubMed 33781268 (cited by Institute of Human Genetics, Univ. Regensburg, Univ. Regensburg); PubMed 35456481 (cited by Institute of Human Genetics, Univ. Regensburg, Univ. Regensburg); PubMed 36377647 (cited by Institute of Human Genetics, Univ. Regensburg, Univ. Regensburg); PubMed 35309139 (cited by Institute of Human Genetics, Univ. Regensburg, Univ. Regensburg); PubMed 34624300 (cited by Institute of Human Genetics, Univ. Regensburg, Univ. Regensburg); PubMed 36460718 (cited by Institute of Human Genetics, Univ. Regensburg, Univ. Regensburg); PubMed 34645606 (cited by Institute of Human Genetics, Univ. Regensburg, Univ. Regensburg).